The following is an entry in ClinVar:

ClinVar aggregate classification (germline): Likely pathogenic. Review status: criteria provided, multiple submitters, no conflicts (2 of 4 stars). 2 submissions from 2 submitters: Likely pathogenic (2). Last evaluated 2024-06-07.

Conditions:
Mucopolysaccharidosis, MPS-II (MPS2). Also called: Mucopolysaccharidosis with skin involvement; IDS deficiency; Sulfoiduronate sulfatase deficiency; SIDS deficiency; Hunter Syndrome; IDURONATE 2-SULFATASE DEFICIENCY. Identifiers: Orphanet 580, Orphanet 79388, MedGen C0026705, MONDO:0010674, OMIM 309900.

Submissions (2):

Laboratory of Diagnosis and Therapy of Lysosomal Disorders, University of Padova
Classification: Likely pathogenic for Mucopolysaccharidosis, MPS-II. Last evaluated: 2024-06-07. Review status: criteria provided, single submitter. Criteria: ACMG Guidelines, 2015. Collection method: literature only. Allele origin: germline. Affected: yes. Observed: 1 variant allele.
Comment: Located in a mutational hot spot and/or critical functional domain (PM1_Moderate), Absent from controls (or at low frequency) in gnomAD database (PM2_Moderate), Missense change at the same amino acid residue as a pathogenic variant (PM5_Moderate), Missense variant in a gene with a low rate of benign missense variation (PP2_Supporting), Multiple lines of computational evidence support a deleterious effect (PP3_Supporting), Patient’s phenotype or family history highly specific for the disease (PP4_Moderate)

Classification method: ACMG Guidelines [PMID:25741868] with modifications

Labcorp Genetics (formerly Invitae), Labcorp
Classification: Likely pathogenic for Mucopolysaccharidosis, MPS-II. Last evaluated: 2019-12-11. Review status: criteria provided, single submitter. Criteria: Invitae Variant Classification Sherloc (09022015). Collection method: clinical testing. Allele origin: germline.
Comment: In summary, the currently available evidence indicates that the variant is pathogenic, but additional data are needed to prove that conclusively. Therefore, this variant has been classified as Likely Pathogenic. This variant disrupts the p.Lys347 amino acid residue in IDS. Other variant(s) that disrupt this residue have been observed in individuals with IDS-related conditions (PMID: 11731225, 9266380, 8940265, 9222763, 15614569), which suggests that this may be a clinically significant amino acid residue. Algorithms developed to predict the effect of missense changes on protein structure and function are either unavailable or do not agree on the potential impact of this missense change (SIFT: "Deleterious"; PolyPhen-2: "Probably Damaging"; Align-GVGD: "Class C0"). This variant has been observed in an individual affected with mucopolysaccharidosis type II (PMID: 27883178). This variant is not present in population databases (ExAC no frequency). This sequence change replaces lysine with arginine at codon 347 of the IDS protein (p.Lys347Arg). The lysine residue is highly conserved and there is a small physicochemical difference between lysine and arginine.

Literature cited by the submitters: PubMed 27883178 (cited by Laboratory of Diagnosis and Therapy of Lysosomal Disorders, University of Padova and Labcorp Genetics (formerly Invitae), Labcorp); PubMed 11731225 (cited by Labcorp Genetics (formerly Invitae), Labcorp); PubMed 9266380 (cited by Labcorp Genetics (formerly Invitae), Labcorp); PubMed 8940265 (cited by Labcorp Genetics (formerly Invitae), Labcorp); PubMed 9222763 (cited by Labcorp Genetics (formerly Invitae), Labcorp); PubMed 15614569 (cited by Labcorp Genetics (formerly Invitae), Labcorp).

NM_000202.8(IDS):c.1040A>G (p.Lys347Arg)

Genes: IDS (iduronate 2-sulfatase; minus strand), LOC106050102 (IDS recombination region; plus strand). Cytogenetic location: Xq28.
Variant type: single nucleotide variant.
Coding change: c.1040A>G on transcript NM_000202.8 (MANE Select); coding-DNA position 1040, A replaced by G.
Protein change: p.Lys347Arg; replaces lysine 347 with arginine.
Molecular consequence: missense variant.
Genome position (GRCh38, 1-based): chrX:149,487,065, T>C on the plus strand (A>G on the coding strand, the complement: IDS is on the minus strand). VCF-style: chrX-149487065-T-C. GRCh37 (hg19) VCF-style: chrX-148568596-T-C.
Other names: c.770A>G, p.Lys257Arg (NM_001166550.4); short protein forms K257R, K347R.
Identifiers: ClinVar variation 839365 (VCV000839365.11), dbSNP rs2089342939, ClinGen allele CA414518967.